The following is an entry in ClinVar:

ClinVar aggregate classification (germline): Likely pathogenic (1 of 4 stars; one submission).

Conditions:
Leber congenital amaurosis 8 (LCA8). Identifiers: Orphanet 65, MedGen C3151202, MONDO:0013453, OMIM 613835.
Retinitis pigmentosa 12 (RP12). Also called: RP WITH OR WITHOUT PPRPE; RP WITH OR WITHOUT PRESERVED PARAARTERIOLE RETINAL PIGMENT EPITHELIUM; RETINITIS PIGMENTOSA WITH OR WITHOUT PARAARTERIOLAR PRESERVATION OF RETINAL PIGMENT EPITHELIUM. Identifiers: Orphanet 791, MedGen C1838647, MONDO:0010818, OMIM 600105.

Submission:

Labcorp Genetics (formerly Invitae), Labcorp
Classification: Likely pathogenic for Leber congenital amaurosis 8; Retinitis pigmentosa 12. Last evaluated: 2022-03-03. Review status: criteria provided, single submitter. Criteria: Invitae Variant Classification Sherloc (09022015). Collection method: clinical testing. Allele origin: germline.
Comment: In summary, the currently available evidence indicates that the variant is pathogenic, but additional data are needed to prove that conclusively. Therefore, this variant has been classified as Likely Pathogenic. This variant disrupts the p.Cys394 amino acid residue in CRB1. Other variant(s) that disrupt this residue have been determined to be pathogenic (PMID: 24265693, 26355662). This suggests that this residue is clinically significant, and that variants that disrupt this residue are likely to be disease-causing. Advanced modeling of protein sequence and biophysical properties (such as structural, functional, and spatial information, amino acid conservation, physicochemical variation, residue mobility, and thermodynamic stability) performed at Invitae indicates that this missense variant is expected to disrupt CRB1 protein function. This variant has not been reported in the literature in individuals affected with CRB1-related conditions. This variant is not present in population databases (gnomAD no frequency). This sequence change replaces cysteine, which is neutral and slightly polar, with phenylalanine, which is neutral and non-polar, at codon 394 of the CRB1 protein (p.Cys394Phe).

Literature cited by the submitters: PubMed 24265693; PubMed 26355662.

NM_201253.3(CRB1):c.1181G>T (p.Cys394Phe)

Gene: CRB1 (crumbs cell polarity complex component 1; plus strand). Cytogenetic location: 1q31.3.
Variant type: single nucleotide variant.
Coding change: c.1181G>T on transcript NM_201253.3 (MANE Select); coding-DNA position 1181, G replaced by T.
Protein change: p.Cys394Phe; replaces cysteine 394 with phenylalanine.
Molecular consequence: missense variant. On other transcripts: non-coding transcript variant (2).
Genome position (GRCh38, 1-based): chr1:197,421,009, G>T. VCF-style: chr1-197421009-G-T. GRCh37 (hg19) VCF-style: chr1-197390139-G-T.
Other names: c.1181G>T, p.Cys394Phe (NM_001257966.2); c.845G>T, p.Cys282Phe (NM_001193640.2); c.974G>T, p.Cys325Phe (NM_001257965.2); short protein forms C394F, C282F, C325F.
Identifiers: ClinVar variation 2106148 (VCV002106148.4), dbSNP rs1664277152, ClinGen allele CA344027999.